The following is an entry in ClinVar:

NM_000179.3(MSH6):c.3415_3416delinsT (p.Gly1139fs)

Gene: MSH6 (mutS homolog 6; plus strand). Cytogenetic location: 2p16.3.
Variant type: Indel.
Coding change: c.3415_3416delinsT on transcript NM_000179.3 (MANE Select); coding-DNA positions 3415 to 3416, GG replaced by T.
Protein change: p.Gly1139fs; shifts the reading frame from glycine 1139.
Molecular consequence: frameshift variant.
Genome position (GRCh38, 1-based): chr2:47,803,662-47,803,663, GG replaced by T. VCF-style: chr2-47803662-GG-T. GRCh37 (hg19) VCF-style: chr2-48030801-GG-T.
Other names: c.2551_2552delGGinsT, p.Gly851Serfs (NM_001406803.1); c.3337_3338delGGinsT, p.Gly1113Serfs (NM_001406804.1); c.2890_2891delGGinsT, p.Gly964Serfs (NM_001406806.1, NM_001406799.1, NM_001406807.1); c.3118_3119delGGinsT, p.Gly1040Serfs (NM_001406805.1, NM_001406797.1, NM_001406801.1 and 10 more transcripts); c.3025_3026delinsT, p.Gly1009fs (NM_001281492.2); c.2509_2510delinsT, p.Gly837fs (NM_001281493.2, NM_001281494.2); c.3511_3512delGGinsT, p.Gly1171Serfs (NM_001406795.1, NM_001406802.1); c.3415_3416delGGinsT, p.Gly1139Serfs (NM_001406796.1, NM_001406800.1, NM_001406808.1 and 1 more transcripts); and 8 more; short protein forms G837fs, G1139fs, G1009fs.
Identifiers: ClinVar variation 1731201 (VCV001731201.2), dbSNP rs2530775655, ClinGen allele CA2580067108.
Genomic context (GRCh38, chr2:47,803,662, plus strand): 5'-GAAGAGGAGCAGGAAAATGGCAAAGCCTATTGTGTGCTTGTTACTGGACCAAATATGGGG[GG>T]CAAGTCTACGCTTATGAGACAGGTAACTGATTCTTAAAGTTTTGTTATCAGAAAGTCATT-3'

ClinVar aggregate classification (germline): Pathogenic (1 of 4 stars; one submission).

Conditions:
Hereditary cancer-predisposing syndrome. Also called: Neoplastic Syndromes, Hereditary; Tumor predisposition; Hereditary Cancer Syndrome; Hereditary neoplastic syndrome. Identifiers: Orphanet 140162, MedGen C0027672, MeSH D009386, MONDO:0015356.

Submission:

Ambry Genetics
Classification: Pathogenic for Hereditary cancer-predisposing syndrome. Last evaluated: 2019-09-25. Review status: criteria provided, single submitter. Criteria: Ambry Variant Classification Scheme 2023. Collection method: clinical testing. Allele origin: germline.
Comment: The c.3415_3416delGGinsT pathogenic mutation, located in coding exon 5 of the MSH6 gene, results from the deletion of two nucleotides and insertion of one nucleotide causing a translational frameshift with a predicted alternate stop codon (p.G1139Sfs*6). This alteration is expected to result in loss of function by premature protein truncation or nonsense-mediated mRNA decay. As such, this alteration is interpreted as a disease-causing mutation.